The following is an entry in ClinVar:

ClinVar aggregate classification (germline): Uncertain significance (1 of 4 stars; one submission).

Conditions:
Kabuki syndrome. Also called: Kabuki make-up syndrome; NIIKAWA-KUROKI SYNDROME. Identifiers: Orphanet 2322, MedGen C0796004, MONDO:0016512.

gnomAD v4.1: 1 of 1,521,852 alleles (0.000066%); highest among the groups gnomAD compares: South Asian, 0.0013%; no homozygotes.

Submission:

Labcorp Genetics (formerly Invitae), Labcorp
Classification: Uncertain significance for Kabuki syndrome. Last evaluated: 2025-01-28. Review status: criteria provided, single submitter. Criteria: Invitae Variant Classification Sherloc (09022015). Collection method: clinical testing. Allele origin: germline.
Comment: This sequence change replaces alanine, which is neutral and non-polar, with serine, which is neutral and polar, at codon 2205 of the KMT2D protein (p.Ala2205Ser). This variant is not present in population databases (gnomAD no frequency). This variant has not been reported in the literature in individuals affected with KMT2D-related conditions. Invitae Evidence Modeling of protein sequence and biophysical properties (such as structural, functional, and spatial information, amino acid conservation, physicochemical variation, residue mobility, and thermodynamic stability) indicates that this missense variant is not expected to disrupt KMT2D protein function with a negative predictive value of 95%. In summary, the available evidence is currently insufficient to determine the role of this variant in disease. Therefore, it has been classified as a Variant of Uncertain Significance.

NM_003482.4(KMT2D):c.6613G>T (p.Ala2205Ser)

Gene: KMT2D (lysine methyltransferase 2D; minus strand). Cytogenetic location: 12q13.12.
Variant type: single nucleotide variant.
Coding change: c.6613G>T on transcript NM_003482.4 (MANE Select); coding-DNA position 6613, G replaced by T.
Protein change: p.Ala2205Ser; replaces alanine 2205 with serine.
Molecular consequence: missense variant.
Genome position (GRCh38, 1-based): chr12:49,041,157, C>A on the plus strand (G>T on the coding strand, the complement: KMT2D is on the minus strand). VCF-style: chr12-49041157-C-A. GRCh37 (hg19) VCF-style: chr12-49434940-C-A.
Other names: short protein forms A2205S.
Identifiers: ClinVar variation 4706967 (VCV004706967.1).